The following is an entry in ClinVar:

NM_000407.5(GP1BB):c.227A>G (p.Asp76Gly)

Genes: GP1BB (glycoprotein Ib platelet subunit beta; plus strand), SEPT5-GP1BB (SEPT5-GP1BB readthrough; plus strand). Cytogenetic location: 22q11.21.
Variant type: single nucleotide variant.
Coding change: c.227A>G on transcript NM_000407.5 (MANE Select); coding-DNA position 227, A replaced by G.
Protein change: p.Asp76Gly; replaces aspartic acid 76 with glycine.
Molecular consequence: missense variant. On other transcripts: non-coding transcript variant (2).
Genome position (GRCh38, 1-based): chr22:19,724,070, A>G. VCF-style: chr22-19724070-A-G. GRCh37 (hg19) VCF-style: chr22-19711593-A-G.
Other names: NM_000407.5:c.227A>G; short protein forms D76G.
Identifiers: ClinVar variation 4857358 (VCV004857358.1).
Genomic context (GRCh38, chr22:19,724,070, plus strand): 5'-ACACAACCGAGCTGGTGCTGACCGGCAACAACCTGACGGCGCTGCCGCCGGGGCTGCTGG[A>G]CGCGCTGCCCGCGCTGCGCACCGCACACCTGGGCGCCAACCCCTGGCGCTGCGACTGCCG-3'
Protein context (NP_000398.1, residues 66-86): NLTALPPGLL[Asp76Gly]ALPALRTAHL

ClinVar aggregate classification (germline): Uncertain significance (3 of 4 stars; one submission).

Conditions:
Bernard Soulier syndrome (BSS). Also called: GLYCOPROTEIN Ib, PLATELET, DEFICIENCY OF; Giant platelet syndrome; Hemorrhagiparous thrombocytic dystrophy; Giant platelet disease; BLEEDING DISORDER, PLATELET-TYPE, 1; Platelet Glycoprotein 1b, Deficiency of. Identifiers: Orphanet 274, MedGen C0005129, MeSH D001606, MONDO:0009276, OMIM 231200.

Submission:

ClinGen Platelet Disorders Variant Curation Expert Panel, ClinGen
Classification: Uncertain significance for Bernard Soulier syndrome. Last evaluated: 2026-06-04. Review status: reviewed by expert panel. Criteria: ClinGen Platelet ACMG Specifications GP1BB V1.0.0. Collection method: curation. Allele origin: germline. Inheritance: Autosomal recessive inheritance.
Comment: The c.227A>G variant in GP1BB is a missense variant predicted to cause substitution of Aspartic acid by Glycine at amino acid 76 (p.Asp76Gly). The computational predictor REVEL gives a score of 0.876, which is above the ClinGen PD VCEP threshold of >0.773 and predicts a damaging effect on GP1BB function (PP3). This variant is absent from gnomAD v4.1.0 (PM2_Supporting). One BSS Patient (Family F3, Patient B1 in PMID: 19484238) is reported to carry this variant. However, the clinical features described for this patient are insufficient to meet PP4 as defined by the PD VCEP. In summary, this variant meets the criteria to be classified as uncertain significance for autosomal recessive Bernard-Soulier syndrome based on the ACMG/AMP criteria applied, as specified by the ClinGen PD VCEP: PP3_Moderate and PM2_Supporting (VCEP specifications version 1).